The following is an entry in ClinVar:

NM_001845.6(COL4A1):c.2347G>A (p.Glu783Lys)

Gene: COL4A1 (collagen type IV alpha 1 chain; minus strand). Cytogenetic location: 13q34.
Variant type: single nucleotide variant.
Coding change: c.2347G>A on transcript NM_001845.6 (MANE Select); coding-DNA position 2347, G replaced by A.
Protein change: p.Glu783Lys; replaces glutamic acid 783 with lysine.
Molecular consequence: missense variant.
Genome position (GRCh38, 1-based): chr13:110,179,034, C>T on the plus strand (G>A on the coding strand, the complement: COL4A1 is on the minus strand). VCF-style: chr13-110179034-C-T. GRCh37 (hg19) VCF-style: chr13-110831381-C-T.
Other names: short protein forms E783K.
Identifiers: ClinVar variation 1696600 (VCV001696600.2), dbSNP rs1878019123, ClinGen allele CA388668506.

ClinVar aggregate classification (germline): Uncertain significance. Review status: criteria provided, multiple submitters, no conflicts (2 of 4 stars). 2 submissions from 2 submitters: Uncertain significance (2). Last evaluated 2024-05-02.

Allele frequency attached by ClinVar (database versions not stated): gnomAD exomes below 0.00001; TOPMed below 0.00001.
gnomAD v4.1: 2 of 1,608,756 alleles (0.00012%); highest among the groups gnomAD compares: South Asian, 0.0011%; no homozygotes.

Submissions (2):

Women's Health and Genetics/Laboratory Corporation of America, LabCorp
Classification: Uncertain significance. Last evaluated: 2024-05-02. Review status: criteria provided, single submitter. Criteria: LabCorp Variant Classification Summary - May 2015. Collection method: clinical testing. Allele origin: germline.
Comment: Variant summary: COL4A1 c.2347G>A (p.Glu783Lys) results in a conservative amino acid change in the encoded protein sequence. Three of five in-silico tools predict a damaging effect of the variant on protein function. The variant was absent in 236148 control chromosomes. The available data on variant occurrences in the general population are insufficient to allow any conclusion about variant significance. To our knowledge, no occurrence of c.2347G>A in individuals affected with Porencephaly 1 and no experimental evidence demonstrating its impact on protein function have been reported. ClinVar contains an entry for this variant (Variation ID: 1696600). Based on the evidence outlined above, the variant was classified as uncertain significance.

New York Genome Center
Classification: Uncertain significance. Last evaluated: 2021-07-23. Review status: criteria provided, single submitter. Criteria: NYGC Assertion Criteria 2020. Collection method: clinical testing. Allele origin: inherited. Observed: 1 heterozygote. Study: CSER-NYCKidSeq.